The following is an entry in ClinVar:

NM_006158.5(NEFL):c.23C>G (p.Pro8Arg)

Gene: NEFL (neurofilament light chain; minus strand). Cytogenetic location: 8p21.2.
Variant type: single nucleotide variant.
Coding change: c.23C>G on transcript NM_006158.5 (MANE Select); coding-DNA position 23, C replaced by G.
Protein change: p.Pro8Arg; replaces proline 8 with arginine.
Molecular consequence: missense variant.
Genome position (GRCh38, 1-based): chr8:24,956,493, G>C on the plus strand (C>G on the coding strand, the complement: NEFL is on the minus strand). VCF-style: chr8-24956493-G-C. GRCh37 (hg19) VCF-style: chr8-24814007-G-C.
Other names: short protein forms P8R.
Identifiers: ClinVar variation 66688 (VCV000066688.15), dbSNP rs61491953, ClinGen allele CA217536.

ClinVar aggregate classification (germline): Pathogenic/Likely pathogenic. Review status: criteria provided, multiple submitters, no conflicts (2 of 4 stars). 6 submissions from 6 submitters: Pathogenic (1); Likely pathogenic (2). 3 of the submissions do not count toward it. Last evaluated 2024-01-25.

Conditions:
Charcot-Marie-Tooth disease. Also called: Charcot-Marie-Tooth Hereditary Neuropathy; Charcot-Marie-Tooth Neuropathy. Identifiers: Orphanet 166, MedGen C0007959, MONDO:0015626.
Inborn genetic diseases. Identifiers: MedGen C0950123, MeSH D030342.
Charcot-Marie-Tooth disease type 2E (CMT2E). Also called: CHARCOT-MARIE-TOOTH NEUROPATHY, TYPE 2E; CHARCOT-MARIE-TOOTH DISEASE, AXONAL, TYPE 2E. Identifiers: Orphanet 99939, MedGen C1843225, MONDO:0011894, OMIM 607684.

Submissions (6):

Labcorp Genetics (formerly Invitae), Labcorp
Classification: Pathogenic for Charcot-Marie-Tooth disease type 2E. Last evaluated: 2024-01-25. Review status: criteria provided, single submitter. Criteria: Invitae Variant Classification Sherloc (09022015). Collection method: clinical testing. Allele origin: germline.
Comment: This sequence change replaces proline, which is neutral and non-polar, with arginine, which is basic and polar, at codon 8 of the NEFL protein (p.Pro8Arg). This variant is not present in population databases (gnomAD no frequency). This missense change has been observed in individuals with autosomal dominant Charcot-Marie-Tooth disease (PMID: 12566280, 17620486, 22206013, 28501821). It has also been observed to segregate with disease in related individuals. ClinVar contains an entry for this variant (Variation ID: 66688). Advanced modeling of protein sequence and biophysical properties (such as structural, functional, and spatial information, amino acid conservation, physicochemical variation, residue mobility, and thermodynamic stability) has been performed at Invitae for this missense variant, however the output from this modeling did not meet the statistical confidence thresholds required to predict the impact of this variant on NEFL protein function. Experimental studies have shown that this missense change affects NEFL function (PMID: 22155564, 23618875). For these reasons, this variant has been classified as Pathogenic.

Revvity Omics, Revvity
Classification: Likely pathogenic. Last evaluated: 2022-05-06. Review status: criteria provided, single submitter. Criteria: ACMG Guidelines, 2015. Collection method: clinical testing. Allele origin: germline.

Ambry Genetics
Classification: Likely pathogenic for Inborn genetic diseases. Last evaluated: 2020-10-14. Review status: criteria provided, single submitter. Criteria: Ambry Variant Classification Scheme 2023. Collection method: clinical testing. Allele origin: germline.
Comment: The p.P8R variant (also known as c.23C>G), located in coding exon 1 of the NEFL gene, results from a C to G substitution at nucleotide position 23. The proline at codon 8 is replaced by arginine, an amino acid with dissimilar properties. This amino acid position is well conserved in available vertebrate species. In addition, the in silico prediction for this alteration is inconclusive. This alteration has been reported in the heterozygous form in multiple affected individuals with Charcot-Marie-Tooth (CMT) disease, and was reported to occur de novo in one affected individual (Jordanova A et al. Brain, 2003 Mar;126:590-7; Miltenberger-Miltenyi G et al. Arch Neurol, 2007 Jul;64:966-70; Lin KP et al. PLoS One, 2011 Dec;6:e29393; Horga A et al. J Neurol Neurosurg Psychiatry, 2017 07;88:575-585). Functional studies have shown that this alteration has an effect on intermediate filament formation, resulting in mitochondrial and axonal abnormalities (Zhai J et al. Hum Mol Genet, 2007 Dec;16:3103-16; Tradewell ML et al. J Neuropathol Exp Neurol, 2009 Jun;68:642-52). The NEFL c.22_23delCCinsAG alteration, which results in an identical amino acid change, has been reported to segregate with disease in a family displaying autosomal dominant inheritance of CMT (De Jonghe P et al. Ann Neurol, 2001 Feb;49:245-9). Based on the supporting evidence, this variant is likely to be causative of autosomal dominant CMT, type 1F/2E; however, its clinical significance for autosomal recessive CMT, type 1F/2E is unclear.

Epithelial Biology;  Institute of Medical Biology, Singapore
No classification provided. Review status: no classification provided. Collection method: not provided. Allele origin: not provided. Not counted in ClinVar's aggregate classification.

GeneReviews
No classification provided. Condition: Charcot-Marie-Tooth disease type 2E. Review status: no classification provided. Collection method: literature only. Allele origin: unknown. Not counted in ClinVar's aggregate classification.

Inherited Neuropathy Consortium
Classification: Uncertain significance for Charcot-Marie-Tooth disease. Review status: no assertion criteria provided. Collection method: literature only. Allele origin: germline. Affected: yes. Not counted in ClinVar's aggregate classification.

Literature cited by the submitters: PubMed 12566280 (cited by 3 submitters); PubMed 17620486 (cited by Labcorp Genetics (formerly Invitae), Labcorp and Ambry Genetics); PubMed 22206013 (cited by Labcorp Genetics (formerly Invitae), Labcorp and Ambry Genetics); PubMed 28501821 (cited by Labcorp Genetics (formerly Invitae), Labcorp and Ambry Genetics); PubMed 22155564 (cited by Labcorp Genetics (formerly Invitae), Labcorp); PubMed 23618875 (cited by Labcorp Genetics (formerly Invitae), Labcorp); PubMed 11220745 (cited by Ambry Genetics); PubMed 17881652 (cited by Ambry Genetics); PubMed 19458545 (cited by Ambry Genetics); PubMed 20301384 (cited by GeneReviews); NCBI Bookshelf NBK1205 (cited by GeneReviews).